The following is an entry in ClinVar:

ClinVar aggregate classification (germline): Uncertain significance (1 of 4 stars; one submission).

gnomAD v4.1: 4 of 1,550,196 alleles (0.00026%); highest among the groups gnomAD compares: East Asian, 0.0024%; no homozygotes.

Submission:

Labcorp Genetics (formerly Invitae), Labcorp
Classification: Uncertain significance. Last evaluated: 2024-11-18. Review status: criteria provided, single submitter. Criteria: Invitae Variant Classification Sherloc (09022015). Collection method: clinical testing. Allele origin: germline.
Comment: This sequence change replaces alanine, which is neutral and non-polar, with threonine, which is neutral and polar, at codon 330 of the CAMK2B protein (p.Ala330Thr). The frequency data for this variant in the population databases is considered unreliable, as metrics indicate poor data quality at this position in the gnomAD database. This variant has not been reported in the literature in individuals affected with CAMK2B-related conditions. An algorithm developed to predict the effect of missense changes on protein structure and function (PolyPhen-2) suggests that this variant is likely to be tolerated. In summary, the available evidence is currently insufficient to determine the role of this variant in disease. Therefore, it has been classified as a Variant of Uncertain Significance.

NM_001220.5(CAMK2B):c.988G>A (p.Ala330Thr)

Gene: CAMK2B (calcium/calmodulin dependent protein kinase II beta; minus strand). Cytogenetic location: 7p13.
Variant type: single nucleotide variant.
Coding change: c.988G>A on transcript NM_001220.5 (MANE Select); coding-DNA position 988, G replaced by A.
Protein change: p.Ala330Thr; replaces alanine 330 with threonine.
Molecular consequence: missense variant. On other transcripts: intron variant (5).
Genome position (GRCh38, 1-based): chr7:44,239,622, C>T on the plus strand (G>A on the coding strand, the complement: CAMK2B is on the minus strand). VCF-style: chr7-44239622-C-T. GRCh37 (hg19) VCF-style: chr7-44279221-C-T.
Other names: c.988G>A, p.Ala330Thr (NM_172082.3, NM_001293170.2, NM_172078.3); c.946+1085G>A (NM_172084.3, NM_172080.3, NM_172083.3 and 2 more transcripts); short protein forms A330T.
Identifiers: ClinVar variation 3622746 (VCV003622746.2).
Genomic context (GRCh38, chr7:44,239,622, plus strand): 5'-GCGGGACGCTGGTCGAGACACATCTACCTTGTTCCACCAGCCCCATGGTGGTGCCGGAGG[C>T]CGCGGTGGACATTGTGGCCGGAGCGGTGGTCTGTCTGCCCACTGTTAGCACCGGGTTAGA-3'
Protein context (NP_001211.3, residues 320-340): TTAPATMSTA[Ala330Thr]SGTTMGLVEQ